The following is an entry in ClinVar:

NM_017841.4(SDHAF2):c.-5G>T

Gene: SDHAF2 (succinate dehydrogenase complex assembly factor 2; plus strand). Cytogenetic location: 11q12.2.
Variant type: single nucleotide variant.
Coding change: c.-5G>T on transcript NM_017841.4 (MANE Select); 5 bases upstream of the start codon, G replaced by T.
Molecular consequence: 5 prime UTR variant.
Genome position (GRCh38, 1-based): chr11:61,430,142, G>T. VCF-style: chr11-61430142-G-T. GRCh37 (hg19) VCF-style: chr11-61197614-G-T.
Identifiers: ClinVar variation 826121 (VCV000826121.4), dbSNP rs549705433, ClinGen allele CA915948199.

ClinVar aggregate classification (germline): Uncertain significance (1 of 4 stars; one submission).

Conditions:
Hereditary cancer-predisposing syndrome. Also called: Neoplastic Syndromes, Hereditary; Tumor predisposition; Hereditary neoplastic syndrome; Hereditary Cancer Syndrome. Identifiers: Orphanet 140162, MedGen C0027672, MeSH D009386, MONDO:0015356.

Submission:

Ambry Genetics
Classification: Uncertain significance for Hereditary cancer-predisposing syndrome. Last evaluated: 2018-04-26. Review status: criteria provided, single submitter. Criteria: Ambry Variant Classification Scheme 2023. Collection method: clinical testing. Allele origin: germline.
Comment: The c.-5G>T variant is located in the 5' untranslated region (5&rsquo; UTR) of the SDHAF2 gene. This variant results from a G to T substitution 5 bases upstream from the first translated codon. This nucleotide position is well conserved in available vertebrate species. Since supporting evidence is limited at this time, the clinical significance of this alteration remains unclear.